The following is an entry in ClinVar:

ClinVar aggregate classification (germline): Uncertain significance. Review status: criteria provided, multiple submitters, no conflicts (2 of 4 stars). 2 submissions from 2 submitters: Uncertain significance (2). Last evaluated 2025-09-26.

Conditions:
TP63-Related Spectrum Disorders.

Submissions (2):

Dasa
Classification: Uncertain significance. Last evaluated: 2025-09-26. Review status: criteria provided, single submitter. Criteria: DASA Assertion Criteria. Collection method: clinical testing. Allele origin: germline.
Comment: NM_003722.5(TP63):c.915T>A (p.Asn305Lys) is a missense variant that results in the substitution of asparagine with lysine. This variant is absent from population databases. Computational prediction algorithms are consistent with a deleterious effect. The currently available literature and clinical evidence are not sufficient to establish a definitive association between this variant and the reported condition. Therefore, this variant is classified as a variant of uncertain significance.

Labcorp Genetics (formerly Invitae), Labcorp
Classification: Uncertain significance. Last evaluated: 2024-04-25. Review status: criteria provided, single submitter. Criteria: Invitae Variant Classification Sherloc (09022015). Collection method: clinical testing. Allele origin: germline.
Comment: This sequence change replaces asparagine, which is neutral and polar, with lysine, which is basic and polar, at codon 305 of the TP63 protein (p.Asn305Lys). This variant is not present in population databases (gnomAD no frequency). This variant has not been reported in the literature in individuals affected with TP63-related conditions. ClinVar contains an entry for this variant (Variation ID: 2098592). Advanced modeling of protein sequence and biophysical properties (such as structural, functional, and spatial information, amino acid conservation, physicochemical variation, residue mobility, and thermodynamic stability) performed at Invitae indicates that this missense variant is expected to disrupt TP63 protein function with a positive predictive value of 80%. In summary, the available evidence is currently insufficient to determine the role of this variant in disease. Therefore, it has been classified as a Variant of Uncertain Significance.

NM_003722.5(TP63):c.915T>A (p.Asn305Lys)

Gene: TP63 (tumor protein p63; plus strand). Cytogenetic location: 3q28.
Variant type: single nucleotide variant.
Coding change: c.915T>A on transcript NM_003722.5 (MANE Select); coding-DNA position 915, T replaced by A.
Protein change: p.Asn305Lys; replaces asparagine 305 with lysine.
Molecular consequence: missense variant.
Genome position (GRCh38, 1-based): chr3:189,867,865, T>A. VCF-style: chr3-189867865-T-A. GRCh37 (hg19) VCF-style: chr3-189585654-T-A.
Other names: c.915T>A, p.Asn305Lys (NM_001114978.2, NM_001114979.2, NM_001329144.2 and 1 more transcripts); c.633T>A, p.Asn211Lys (NM_001114980.2, NM_001114981.2, NM_001114982.2 and 2 more transcripts); c.378T>A, p.Asn126Lys (NM_001329146.2, NM_001329150.2); c.909T>A, p.Asn303Lys (NM_001329964.2); short protein forms N126K, N303K, N305K, N211K.
Identifiers: ClinVar variation 2098592 (VCV002098592.5), dbSNP rs2474609043, ClinGen allele CA355754902.
Genomic context (GRCh38, chr3:189,867,865, plus strand): 5'-ACACAGATTATTTACCCCTTGTTTTCAGGTTGGCACTGAATTCACGACAGTCTTGTACAA[T>A]TTCATGTGTAACAGCAGTTGTGTTGGAGGGATGAACCGCCGTCCAATTTTAATCATTGTT-3'
Protein context (NP_003713.3, residues 295-315): VGTEFTTVLY[Asn305Lys]FMCNSSCVGG